The following is an entry in ClinVar:

ClinVar aggregate classification (germline): Likely pathogenic. Review status: criteria provided, multiple submitters, no conflicts (2 of 4 stars). 3 submissions from 3 submitters: Likely pathogenic (2). 1 of the submissions does not count toward it. Last evaluated 2025-09-30.

Conditions:
Autosomal recessive nonsyndromic hearing loss 77. Identifiers: Orphanet 90636, MedGen C2746083, MONDO:0013119, OMIM 613079.

Allele frequency attached by ClinVar (database versions not stated): TOPMed below 0.00001; gnomAD 0.00001.
gnomAD v4.1: 3 of 1,548,164 alleles (0.00019%); highest among the groups gnomAD compares: Non-Finnish European, 0.00026%; no homozygotes.

Submissions (3):

Myriad Genetics, Inc.
Classification: Likely pathogenic for Autosomal recessive nonsyndromic hearing loss 77. Last evaluated: 2025-09-30. Review status: criteria provided, single submitter. Criteria: Myriad Autosomal Dominant, Autosomal Recessive and X-Linked Classification Criteria (2023). Collection method: clinical testing. Allele origin: unknown.
Comment: NM_144612.6(LOXHD1):c.5085+1G>T is a variant in a canonical splice site classified as likely pathogenic in the context of nonsyndromic hearing loss, LOXHD1-related. c.5085+1G>T has not been observed in cases with relevant disease. Relevant functional assessments of this variant are not available in the literature. c.5085+1G>T has not been observed in referenced population frequency databases. In summary, NM_144612.6(LOXHD1):c.5085+1G>T is a variant in a canonical splice site in a gene where loss of function is a known mechanism of disease and is predicted to disrupt protein function. Please note: this variant was assessed in the context of healthy population screening.

Labcorp Genetics (formerly Invitae), Labcorp
Classification: Likely pathogenic. Last evaluated: 2021-03-26. Review status: criteria provided, single submitter. Criteria: Invitae Variant Classification Sherloc (09022015). Collection method: clinical testing. Allele origin: germline.
Comment: Algorithms developed to predict the effect of sequence changes on RNA splicing suggest that this variant may disrupt the consensus splice site, but this prediction has not been confirmed by published transcriptional studies. This variant has not been reported in the literature in individuals with LOXHD1-related conditions. This variant is not present in population databases (ExAC no frequency). This sequence change affects a donor splice site in intron 32 of the LOXHD1 gene. It is expected to disrupt RNA splicing and likely results in an absent or disrupted protein product. In summary, the currently available evidence indicates that the variant is pathogenic, but additional data are needed to prove that conclusively. Therefore, this variant has been classified as Likely Pathogenic. Donor and acceptor splice site variants typically lead to a loss of protein function (PMID: 16199547), and loss-of-function variants in LOXHD1 are known to be pathogenic (PMID: 19732867, 21465660, 25792669).

Natera, Inc.
Classification: Likely pathogenic for Autosomal recessive deafness type 77. Last evaluated: 2020-07-15. Review status: no assertion criteria provided. Collection method: clinical testing. Allele origin: germline. Not counted in ClinVar's aggregate classification.

Literature cited by the submitters: PubMed 16199547 (cited by Labcorp Genetics (formerly Invitae), Labcorp); PubMed 19732867 (cited by Labcorp Genetics (formerly Invitae), Labcorp); PubMed 21465660 (cited by Labcorp Genetics (formerly Invitae), Labcorp); PubMed 25792669 (cited by Labcorp Genetics (formerly Invitae), Labcorp).

NM_001384474.1(LOXHD1):c.5085+1G>T

Gene: LOXHD1 (lipoxygenase homology PLAT domains 1; minus strand). Cytogenetic location: 18q21.1.
Variant type: single nucleotide variant.
Coding change: c.5085+1G>T on transcript NM_001384474.1 (MANE Select); the canonical splice donor site of the intron after coding-DNA position 5085, G replaced by T.
Molecular consequence: splice donor variant.
Genome position (GRCh38, 1-based): chr18:46,522,100, C>A on the plus strand (G>T on the coding strand, the complement: LOXHD1 is on the minus strand). VCF-style: chr18-46522100-C-A. GRCh37 (hg19) VCF-style: chr18-44102063-C-A.
Other names: c.1752+1G>T (NM_001145472.3); c.1464+1G>T (NM_001308013.2); c.5085+1G>T (NM_144612.7).
Identifiers: ClinVar variation 841371 (VCV000841371.10), dbSNP rs1418245706, ClinGen allele CA402371378.